The following is an entry in ClinVar:

NM_014264.5(PLK4):c.392G>C (p.Gly131Ala)

Gene: PLK4 (polo like kinase 4; plus strand). Cytogenetic location: 4q28.1.
Variant type: single nucleotide variant.
Coding change: c.392G>C on transcript NM_014264.5 (MANE Select); coding-DNA position 392, G replaced by C.
Protein change: p.Gly131Ala; replaces glycine 131 with alanine.
Molecular consequence: missense variant.
Genome position (GRCh38, 1-based): chr4:127,885,762, G>C. VCF-style: chr4-127885762-G-C. GRCh37 (hg19) VCF-style: chr4-128806917-G-C.
Other names: c.296G>C, p.Gly99Ala (NM_001190799.2); c.269G>C, p.Gly90Ala (NM_001190801.2); short protein forms G131A, G90A, G99A.
Identifiers: ClinVar variation 1352403 (VCV001352403.6), dbSNP rs1256069344, ClinGen allele CA358168594.
Genomic context (GRCh38, chr4:127,885,762, plus strand): 5'-TAACAGCTCGACACTTCATGCACCAGATCATCACAGGGATGTTGTATCTTCATTCTCATG[G>C]TATACTACACCGGGACCTCACACTTTCTAACCTCCTACTGACTCGTAATATGAACATCAA-3'
Protein context (NP_055079.3, residues 121-141): ITGMLYLHSH[Gly131Ala]ILHRDLTLSN

ClinVar aggregate classification (germline): Uncertain significance (1 of 4 stars; one submission).

Submission:

Labcorp Genetics (formerly Invitae), Labcorp
Classification: Uncertain significance. Last evaluated: 2024-10-22. Review status: criteria provided, single submitter. Criteria: Invitae Variant Classification Sherloc (09022015). Collection method: clinical testing. Allele origin: germline.
Comment: This sequence change replaces glycine, which is neutral and non-polar, with alanine, which is neutral and non-polar, at codon 131 of the PLK4 protein (p.Gly131Ala). This variant is not present in population databases (gnomAD no frequency). This variant has not been reported in the literature in individuals affected with PLK4-related conditions. ClinVar contains an entry for this variant (Variation ID: 1352403). An algorithm developed to predict the effect of missense changes on protein structure and function (PolyPhen-2) suggests that this variant is likely to be disruptive. In summary, the available evidence is currently insufficient to determine the role of this variant in disease. Therefore, it has been classified as a Variant of Uncertain Significance.